The following is an entry in ClinVar:

NM_001277115.2(DNAH11):c.6707G>T (p.Gly2236Val)

Gene: DNAH11 (dynein axonemal heavy chain 11; plus strand). Cytogenetic location: 7p15.3.
Variant type: single nucleotide variant.
Coding change: c.6707G>T on transcript NM_001277115.2 (MANE Select); coding-DNA position 6707, G replaced by T.
Protein change: p.Gly2236Val; replaces glycine 2236 with valine.
Molecular consequence: missense variant.
Genome position (GRCh38, 1-based): chr7:21,710,576, G>T. VCF-style: chr7-21710576-G-T. GRCh37 (hg19) VCF-style: chr7-21750194-G-T.
Other names: short protein forms G2236V.
Identifiers: ClinVar variation 4991856 (VCV004991856.1).
Genomic context (GRCh38, chr7:21,710,576, plus strand): 5'-GTAGAAATAAACAGCACTCAACTACATTATATATTAGGATTGTTTACTCTTATTTTATAG[G>T]TCTCTTCTCATCCATTCTACGAGAACAAGCAAATCTTAAGCATGATGGACCAAAATGGAT-3'
Protein context (NP_001264044.1, residues 2226-2246): DGKIVYSYFI[Gly2236Val]LFSSILREQA

ClinVar aggregate classification (germline): Uncertain significance (1 of 4 stars; one submission).

Conditions:
DNAH11-related disorder. Also called: DNAH11-related condition.

Submission:

PreventionGenetics, part of Exact Sciences
Classification: Uncertain significance for DNAH11-related condition. Last evaluated: 2026-05-14. Review status: criteria provided, single submitter. Criteria: ACMG Guidelines, 2015. Collection method: clinical testing. Allele origin: germline.
Comment: The DNAH11 c.6707G>T variant is predicted to result in the amino acid substitution p.Gly2236Val. To our knowledge, this variant has not been reported in the literature or in a large population database (gnomAD), indicating this variant is rare. At this time, the clinical significance of this variant is uncertain due to the absence of conclusive functional and genetic evidence.